The following is an entry in ClinVar:

NM_177402.5(SYT2):c.410C>T (p.Pro137Leu)

Gene: SYT2 (synaptotagmin 2; minus strand). Cytogenetic location: 1q32.1.
Variant type: single nucleotide variant.
Coding change: c.410C>T on transcript NM_177402.5 (MANE Select); coding-DNA position 410, C replaced by T.
Protein change: p.Pro137Leu; replaces proline 137 with leucine.
Molecular consequence: missense variant.
Genome position (GRCh38, 1-based): chr1:202,603,054, G>A on the plus strand (C>T on the coding strand, the complement: SYT2 is on the minus strand). VCF-style: chr1-202603054-G-A. GRCh37 (hg19) VCF-style: chr1-202572182-G-A.
Other names: c.410C>T, p.Pro137Leu (NM_001136504.1); short protein forms P137L.
Identifiers: ClinVar variation 1421323 (VCV001421323.8), dbSNP rs748254181, ClinGen allele CA1333788.

ClinVar aggregate classification (germline): Uncertain significance (1 of 4 stars; one submission).

Allele frequency attached by ClinVar (database versions not stated): gnomAD exomes below 0.00001; ExAC 0.00002; TOPMed 0.00004.

Submission:

Labcorp Genetics (formerly Invitae), Labcorp
Classification: Uncertain significance. Last evaluated: 2022-02-05. Review status: criteria provided, single submitter. Criteria: Invitae Variant Classification Sherloc (09022015). Collection method: clinical testing. Allele origin: germline.
Comment: This variant is present in population databases (rs748254181, gnomAD 0.003%). This sequence change replaces proline, which is neutral and non-polar, with leucine, which is neutral and non-polar, at codon 137 of the SYT2 protein (p.Pro137Leu). This variant has not been reported in the literature in individuals affected with SYT2-related conditions. In summary, the available evidence is currently insufficient to determine the role of this variant in disease. Therefore, it has been classified as a Variant of Uncertain Significance. Algorithms developed to predict the effect of missense changes on protein structure and function (SIFT, PolyPhen-2, Align-GVGD) all suggest that this variant is likely to be tolerated.